The following is an entry in ClinVar:

NM_198282.4(STING1):c.357G>T (p.Trp119Cys)

Genes: STING1 (stimulator of interferon response cGAMP interactor 1; minus strand), LOC123522803 (Sharpr-MPRA regulatory region 11914; plus strand). Cytogenetic location: 5q31.2.
Variant type: single nucleotide variant.
Coding change: c.357G>T on transcript NM_198282.4 (MANE Select); coding-DNA position 357, G replaced by T.
Protein change: p.Trp119Cys; replaces tryptophan 119 with cysteine.
Molecular consequence: missense variant. On other transcripts: 5 prime UTR variant (1).
Genome position (GRCh38, 1-based): chr5:139,481,213, C>A on the plus strand (G>T on the coding strand, the complement: STING1 is on the minus strand). VCF-style: chr5-139481213-C-A. GRCh37 (hg19) VCF-style: chr5-138860798-C-A.
Other names: c.357G>T, p.Trp119Cys (NM_001301738.2); c.-1G>T (NM_001367258.1); short protein forms W119C.
Identifiers: ClinVar variation 3713181 (VCV003713181.2).

ClinVar aggregate classification (germline): Uncertain significance (1 of 4 stars; one submission).

Conditions:
STING-associated vasculopathy with onset in infancy. Also called: Sting-associated vasculopathy, infantile-onset. Identifiers: Orphanet 425120, MedGen C4014722, MONDO:0014405, OMIM 615934.

Submission:

Labcorp Genetics (formerly Invitae), Labcorp
Classification: Uncertain significance for STING-associated vasculopathy with onset in infancy. Last evaluated: 2025-01-20. Review status: criteria provided, single submitter. Criteria: Invitae Variant Classification Sherloc (09022015). Collection method: clinical testing. Allele origin: germline.
Comment: This sequence change replaces tryptophan, which is neutral and slightly polar, with cysteine, which is neutral and slightly polar, at codon 119 of the TMEM173 protein (p.Trp119Cys). This variant is not present in population databases (gnomAD no frequency). This variant has not been reported in the literature in individuals affected with TMEM173-related conditions. Invitae Evidence Modeling of protein sequence and biophysical properties (such as structural, functional, and spatial information, amino acid conservation, physicochemical variation, residue mobility, and thermodynamic stability) indicates that this missense variant is not expected to disrupt TMEM173 protein function with a negative predictive value of 80%. In summary, the available evidence is currently insufficient to determine the role of this variant in disease. Therefore, it has been classified as a Variant of Uncertain Significance.